The following is an entry in ClinVar:

ClinVar aggregate classification (germline): Uncertain significance. Review status: criteria provided, multiple submitters, no conflicts (2 of 4 stars). 2 submissions from 2 submitters: Uncertain significance (2). Last evaluated 2026-07-06.

Conditions:
Hereditary cancer-predisposing syndrome. Also called: Neoplastic Syndromes, Hereditary; Hereditary Cancer Syndrome; Hereditary neoplastic syndrome; Tumor predisposition. Identifiers: Orphanet 140162, MedGen C0027672, MeSH D009386, MONDO:0015356.
Oligodontia-cancer predisposition syndrome. Also called: TOOTH AGENESIS-COLORECTAL CANCER SYNDROME. Identifiers: Orphanet 300576, MedGen C1837750, MONDO:0012075, OMIM 608615. Disease mechanism: loss of function.

Submissions (2):

Ambry Genetics
Classification: Uncertain significance for Hereditary cancer-predisposing syndrome. Last evaluated: 2026-07-06. Review status: criteria provided, single submitter. Criteria: Ambry Variant Classification Scheme 2023. Collection method: clinical testing. Allele origin: germline.
Comment: The p.G28E variant (also known as c.83G>A), located in coding exon 1 of the AXIN2 gene, results from a G to A substitution at nucleotide position 83. The glycine at codon 28 is replaced by glutamic acid, an amino acid with similar properties. This amino acid position is conserved. In addition, the in silico prediction for this alteration is inconclusive. Based on the available evidence, the clinical significance of this variant remains unclear.

Labcorp Genetics (formerly Invitae), Labcorp
Classification: Uncertain significance for Oligodontia-cancer predisposition syndrome. Last evaluated: 2018-05-16. Review status: criteria provided, single submitter. Criteria: Invitae Variant Classification Sherloc (09022015). Collection method: clinical testing. Allele origin: germline.
Comment: This sequence change replaces glycine with glutamic acid at codon 28 of the AXIN2 protein (p.Gly28Glu). The glycine residue is highly conserved and there is a moderate physicochemical difference between glycine and glutamic acid. This variant is not present in population databases (ExAC no frequency). In summary, the available evidence is currently insufficient to determine the role of this variant in disease. Therefore, it has been classified as a Variant of Uncertain Significance. Algorithms developed to predict the effect of missense changes on protein structure and function are either unavailable or do not agree on the potential impact of this missense change (SIFT: "Deleterious"; PolyPhen-2: "Probably Damaging"; Align-GVGD: "Class C0"). This variant has not been reported in the literature in individuals with AXIN2-related disease.

NM_004655.4(AXIN2):c.83G>A (p.Gly28Glu)

Gene: AXIN2 (axin 2; minus strand). Cytogenetic location: 17q24.1.
Variant type: single nucleotide variant.
Coding change: c.83G>A on transcript NM_004655.4 (MANE Select); coding-DNA position 83, G replaced by A.
Protein change: p.Gly28Glu; replaces glycine 28 with glutamic acid.
Molecular consequence: missense variant.
Genome position (GRCh38, 1-based): chr17:65,558,538, C>T on the plus strand (G>A on the coding strand, the complement: AXIN2 is on the minus strand). VCF-style: chr17-65558538-C-T. GRCh37 (hg19) VCF-style: chr17-63554656-C-T.
Other names: c.83G>A (LRG_296t1); c.83G>A, p.Gly28Glu (NM_001363813.1); short protein forms G28E.
Identifiers: ClinVar variation 576249 (VCV000576249.9), dbSNP rs1567769674, ClinGen allele CA400682251.